The following is an entry in ClinVar:

NM_000660.7(TGFB1):c.1141A>C (p.Asn381His)

Gene: TGFB1 (transforming growth factor beta 1; minus strand). Cytogenetic location: 19q13.2.
Variant type: single nucleotide variant.
Coding change: c.1141A>C on transcript NM_000660.7 (MANE Select); coding-DNA position 1141, A replaced by C.
Protein change: p.Asn381His; replaces asparagine 381 with histidine.
Molecular consequence: missense variant.
Genome position (GRCh38, 1-based): chr19:41,331,084, T>G on the plus strand (A>C on the coding strand, the complement: TGFB1 is on the minus strand). VCF-style: chr19-41331084-T-G. GRCh37 (hg19) VCF-style: chr19-41836989-T-G.
Other names: short protein forms N381H.
Identifiers: ClinVar variation 1359501 (VCV001359501.6), dbSNP rs2123077496, ClinGen allele CA405997679.

ClinVar aggregate classification (germline): Uncertain significance (1 of 4 stars; one submission).

Submission:

Labcorp Genetics (formerly Invitae), Labcorp
Classification: Uncertain significance. Last evaluated: 2025-08-09. Review status: criteria provided, single submitter. Criteria: Invitae Variant Classification Sherloc (09022015). Collection method: clinical testing. Allele origin: germline.
Comment: This sequence change replaces asparagine, which is neutral and polar, with histidine, which is basic and polar, at codon 381 of the TGFB1 protein (p.Asn381His). This variant is not present in population databases (gnomAD no frequency). This variant has not been reported in the literature in individuals affected with TGFB1-related conditions. ClinVar contains an entry for this variant (Variation ID: 1359501). Invitae Evidence Modeling of protein sequence and biophysical properties (such as structural, functional, and spatial information, amino acid conservation, physicochemical variation, residue mobility, and thermodynamic stability) indicates that this missense variant is expected to disrupt TGFB1 protein function with a positive predictive value of 80%. In summary, the available evidence is currently insufficient to determine the role of this variant in disease. Therefore, it has been classified as a Variant of Uncertain Significance.